The following is an entry in ClinVar:

ClinVar aggregate classification (germline): Conflicting classifications of pathogenicity. Review status: criteria provided, conflicting classifications (1 of 4 stars). 6 submissions from 5 submitters: Uncertain significance (2); Benign (1); Likely benign (1). 2 of the submissions do not count toward it. Last evaluated 2026-01-13.

Conditions:
Microphthalmia. Also called: Microphthalmos. Identifiers: MedGen C0026010, MONDO:0021129, HP:0000568.
VSX2-related disorder. Also called: VSX2-related condition.
Isolated microphthalmia 2. Identifiers: Orphanet 2542, MedGen C1864720, MONDO:0012409, OMIM 610093.
Microphthalmia, isolated, with coloboma 3 (MCOPCB3). Also called: MICROPHTHALMIA/COLOBOMA 3; MICROPHTHALMIA, COLOBOMATOUS, 3. Identifiers: Orphanet 98938, MedGen C1864721, MONDO:0012408, OMIM 610092.

Allele frequency attached by ClinVar (database versions not stated): gnomAD 0.00016 and 0.00017; TOPMed 0.00016; gnomAD exomes 0.00036; ExAC 0.00075.

Submissions (6):

Labcorp Genetics (formerly Invitae), Labcorp
Classification: Benign for Isolated microphthalmia 2. Last evaluated: 2026-01-13. Review status: criteria provided, single submitter. Criteria: Invitae Variant Classification Sherloc (09022015). Collection method: clinical testing. Allele origin: germline.

Blueprint Genetics
Classification: Likely benign. Last evaluated: 2024-10-17. Review status: criteria provided, single submitter. Criteria: ACMG Guidelines, 2015. Collection method: clinical testing. Allele origin: germline.

Illumina Laboratory Services, Illumina
Classification: Uncertain significance for Microphthalmia, isolated, with coloboma 3. Last evaluated: 2017-04-28. Review status: criteria provided, single submitter. Criteria: ICSL Variant Classification Criteria 13 December 2019. Collection method: clinical testing. Allele origin: germline.

Illumina Laboratory Services, Illumina
Classification: Uncertain significance for Isolated microphthalmia 2. Last evaluated: 2017-04-28. Review status: criteria provided, single submitter. Criteria: ICSL Variant Classification Criteria 13 December 2019. Collection method: clinical testing. Allele origin: germline.

Natera, Inc.
Classification: Uncertain significance for Microphthalmia. Last evaluated: 2020-04-17. Review status: no assertion criteria provided. Collection method: clinical testing. Allele origin: germline. Not counted in ClinVar's aggregate classification.

PreventionGenetics, part of Exact Sciences
Classification: Likely benign for VSX2-related condition. Last evaluated: 2019-06-24. Review status: no assertion criteria provided. Collection method: clinical testing. Allele origin: germline. Not counted in ClinVar's aggregate classification.
Comment: This variant is classified as likely benign based on ACMG/AMP sequence variant interpretation guidelines (Richards et al. 2015 PMID: 25741868, with internal and published modifications).

NM_182894.3(VSX2):c.249G>A (p.Gly83=)

Gene: VSX2 (visual system homeobox 2; plus strand). Cytogenetic location: 14q24.3.
Variant type: single nucleotide variant.
Coding change: c.249G>A on transcript NM_182894.3 (MANE Select); coding-DNA position 249, G replaced by A.
Protein change: p.Gly83=; no amino-acid change (glycine 83 retained).
Molecular consequence: synonymous variant.
Genome position (GRCh38, 1-based): chr14:74,239,810, G>A. VCF-style: chr14-74239810-G-A. GRCh37 (hg19) VCF-style: chr14-74706513-G-A.
Identifiers: ClinVar variation 706510 (VCV000706510.19), dbSNP rs751526974, ClinGen allele CA7266260.